The following is an entry in ClinVar:

NM_000059.4(BRCA2):c.4657A>G (p.Thr1553Ala)

Gene: BRCA2 (BRCA2 DNA repair associated; plus strand). Cytogenetic location: 13q13.1.
Variant type: single nucleotide variant.
Coding change: c.4657A>G on transcript NM_000059.4 (MANE Select); coding-DNA position 4657, A replaced by G.
Protein change: p.Thr1553Ala; replaces threonine 1553 with alanine.
Molecular consequence: missense variant.
Genome position (GRCh38, 1-based): chr13:32,339,012, A>G. VCF-style: chr13-32339012-A-G. GRCh37 (hg19) VCF-style: chr13-32913149-A-G.
Other names: c.4657A>G, p.Thr1553Ala (NM_001406719.1, NM_001406720.1); short protein forms T1553A.
Identifiers: ClinVar variation 1802967 (VCV001802967.7), dbSNP rs2137508779, ClinGen allele CA387782736.

ClinVar aggregate classification (germline): Conflicting classifications of pathogenicity. Review status: criteria provided, conflicting classifications (1 of 4 stars). 2 submissions from 2 submitters: Uncertain significance (1); Likely benign (1). Last evaluated 2025-03-04.

Conditions:
Hereditary cancer-predisposing syndrome. Also called: Neoplastic Syndromes, Hereditary; Tumor predisposition; Hereditary Cancer Syndrome; Hereditary neoplastic syndrome. Identifiers: Orphanet 140162, MedGen C0027672, MeSH D009386, MONDO:0015356.

Submissions (2):

Center for Genomic Medicine, Rigshospitalet, Copenhagen University Hospital
Classification: Uncertain significance. Last evaluated: 2025-03-04. Review status: criteria provided, single submitter. Criteria: ACMG Guidelines, 2015. Collection method: clinical testing. Allele origin: germline.

University of Washington Department of Laboratory Medicine, University of Washington
Classification: Likely benign for Hereditary cancer-predisposing syndrome. Last evaluated: 2023-03-23. Review status: criteria provided, single submitter. Criteria: Dines et al. (Genet Med. 2020). Collection method: curation. Allele origin: germline.
Comment: Missense variant in a coldspot region where missense variants are very unlikely to be pathogenic (PMID:31911673).

BRCA2 exon 11 coldspot. Reclassification based on statistical prior probability.